The following is an entry in ClinVar:

ClinVar aggregate classification (germline): Uncertain significance. Review status: criteria provided, multiple submitters, no conflicts (2 of 4 stars). 3 submissions from 3 submitters: Uncertain significance (3). Last evaluated 2024-05-07.

Conditions:
Acrocallosal syndrome (ACLS). Also called: HALLUX DUPLICATION, POSTAXIAL POLYDACTYLY, AND ABSENCE OF CORPUS CALLOSUM; Schinzel syndrome 1; Absence of corpus callosum with unusual facial appearance, mental deficiency, duplication of the halluces and polydactyly. Identifiers: Orphanet 36, MedGen C0796147, MONDO:0008708, OMIM 200990.
Multiple epiphyseal dysplasia, Al-Gazali type. Also called: Macrocephaly with multiple epiphyseal dysplasia and distinctive facies. Identifiers: Orphanet 166024, MedGen C1846722, MONDO:0011778, OMIM 607131.
Hydrolethalus syndrome 2 (HLS2). Identifiers: Orphanet 2189, MedGen C3279899, MONDO:0013585, OMIM 614120.

Allele frequency attached by ClinVar (database versions not stated): TOPMed 0.00001.
gnomAD v4.1: 11 of 1,609,458 alleles (0.00068%); highest among the groups gnomAD compares: South Asian, 0.0011%; no homozygotes.

Submissions (3):

Blueprint Genetics
Classification: Uncertain significance. Last evaluated: 2024-05-07. Review status: criteria provided, single submitter. Criteria: ACMG Guidelines, 2015. Collection method: clinical testing. Allele origin: germline.

Fulgent Genetics
Classification: Uncertain significance for Acrocallosal syndrome; Multiple epiphyseal dysplasia, Al-Gazali type; Hydrolethalus syndrome 2. Last evaluated: 2024-04-07. Review status: criteria provided, single submitter. Criteria: ACMG Guidelines, 2015. Collection method: clinical testing. Allele origin: germline.

Labcorp Genetics (formerly Invitae), Labcorp
Classification: Uncertain significance for Acrocallosal syndrome. Last evaluated: 2023-05-08. Review status: criteria provided, single submitter. Criteria: Invitae Variant Classification Sherloc (09022015). Collection method: clinical testing. Allele origin: germline.
Comment: This sequence change replaces arginine, which is basic and polar, with glutamine, which is neutral and polar, at codon 1329 of the KIF7 protein (p.Arg1329Gln). In summary, the available evidence is currently insufficient to determine the role of this variant in disease. Therefore, it has been classified as a Variant of Uncertain Significance. Advanced modeling of protein sequence and biophysical properties (such as structural, functional, and spatial information, amino acid conservation, physicochemical variation, residue mobility, and thermodynamic stability) performed at Invitae indicates that this missense variant is not expected to disrupt KIF7 protein function. ClinVar contains an entry for this variant (Variation ID: 1432874). This variant has not been reported in the literature in individuals affected with KIF7-related conditions. This variant is not present in population databases (gnomAD no frequency).

NM_198525.3(KIF7):c.3986G>A (p.Arg1329Gln)

Gene: KIF7 (kinesin family member 7; minus strand). Cytogenetic location: 15q26.1.
Variant type: single nucleotide variant.
Coding change: c.3986G>A on transcript NM_198525.3 (MANE Select); coding-DNA position 3986, G replaced by A.
Protein change: p.Arg1329Gln; replaces arginine 1329 with glutamine.
Molecular consequence: missense variant.
Genome position (GRCh38, 1-based): chr15:89,628,465, C>T on the plus strand (G>A on the coding strand, the complement: KIF7 is on the minus strand). VCF-style: chr15-89628465-C-T. GRCh37 (hg19) VCF-style: chr15-90171696-C-T.
Other names: short protein forms R1329Q.
Identifiers: ClinVar variation 1432874 (VCV001432874.8), dbSNP rs202214398, ClinGen allele CA7727455.